The following is an entry in ClinVar:

NM_002335.4(LRP5):c.1761C>G (p.Asp587Glu)

Gene: LRP5 (LDL receptor related protein 5; plus strand). Cytogenetic location: 11q13.2.
Variant type: single nucleotide variant.
Coding change: c.1761C>G on transcript NM_002335.4 (MANE Select); coding-DNA position 1761, C replaced by G.
Protein change: p.Asp587Glu; replaces aspartic acid 587 with glutamic acid.
Molecular consequence: missense variant. On other transcripts: 5 prime UTR variant (1).
Genome position (GRCh38, 1-based): chr11:68,403,659, C>G. VCF-style: chr11-68403659-C-G. GRCh37 (hg19) VCF-style: chr11-68171127-C-G.
Other names: c.-177C>G (NM_001291902.2); short protein forms D587E.
Identifiers: ClinVar variation 2766010 (VCV002766010.3), dbSNP rs757754971, ClinGen allele CA381614621.
Genomic context (GRCh38, chr11:68,403,659, plus strand): 5'-CATCGAGCGGGTGCACAAGGTCAAGGCCAGCCGGGACGTCATCATTGACCAGCTGCCCGA[C>G]CTGATGGGGCTCAAAGCTGTGAATGTGGCCAAGGTCGTCGGTGAGTCCGGGGGGTCCCAA-3'
Protein context (NP_002326.2, residues 577-597): SRDVIIDQLP[Asp587Glu]LMGLKAVNVA

ClinVar aggregate classification (germline): Uncertain significance (1 of 4 stars; one submission).

Submission:

Labcorp Genetics (formerly Invitae), Labcorp
Classification: Uncertain significance. Last evaluated: 2023-12-09. Review status: criteria provided, single submitter. Criteria: Invitae Variant Classification Sherloc (09022015). Collection method: clinical testing. Allele origin: germline.
Comment: This sequence change replaces aspartic acid, which is acidic and polar, with glutamic acid, which is acidic and polar, at codon 587 of the LRP5 protein (p.Asp587Glu). This variant is not present in population databases (gnomAD no frequency). This variant has not been reported in the literature in individuals affected with LRP5-related conditions. Advanced modeling of protein sequence and biophysical properties (such as structural, functional, and spatial information, amino acid conservation, physicochemical variation, residue mobility, and thermodynamic stability) has been performed at Invitae for this missense variant, however the output from this modeling did not meet the statistical confidence thresholds required to predict the impact of this variant on LRP5 protein function. In summary, the available evidence is currently insufficient to determine the role of this variant in disease. Therefore, it has been classified as a Variant of Uncertain Significance.